The following is an entry in ClinVar:

ClinVar aggregate classification (germline): Pathogenic (1 of 4 stars; one submission).

Allele frequency attached by ClinVar (database versions not stated): gnomAD exomes 0.00001.

Submission:

Labcorp Genetics (formerly Invitae), Labcorp
Classification: Pathogenic. Last evaluated: 2022-12-15. Review status: criteria provided, single submitter. Criteria: Invitae Variant Classification Sherloc (09022015). Collection method: clinical testing. Allele origin: germline.
Comment: This variant is present in population databases (no rsID available, gnomAD 0.0009%). This variant has not been reported in the literature in individuals affected with COL9A1-related conditions. For these reasons, this variant has been classified as Pathogenic. This sequence change creates a premature translational stop signal (p.Val542Cysfs*5) in the COL9A1 gene. It is expected to result in an absent or disrupted protein product. Loss-of-function variants in COL9A1 are known to be pathogenic (PMID: 16909383, 21421862).

Literature cited by the submitters: PubMed 16909383; PubMed 21421862.

NM_001851.6(COL9A1):c.1623dup (p.Val542fs)

Gene: COL9A1 (collagen type IX alpha 1 chain; minus strand). Cytogenetic location: 6q13.
Variant type: Duplication.
Coding change: c.1623dup on transcript NM_001851.6 (MANE Select); coding-DNA position 1623, one base duplicated (T; older notation c.1623dupT).
Protein change: p.Val542fs; shifts the reading frame from valine 542.
Molecular consequence: frameshift variant. On other transcripts: non-coding transcript variant (1).
Genome position (GRCh38, 1-based): chr6:70,255,005, A duplicated on the plus strand (T on the coding strand, the reverse complement: COL9A1 is on the minus strand). VCF-style (leftmost placement, unchanged base first): chr6-70255004-C-CA. GRCh37 (hg19) VCF-style: chr6-70964707-C-CA.
Other names: c.894dup, p.Val299fs (NM_001377289.1, NM_001377290.1, NM_078485.4); short protein forms V299fs, V542fs.
Identifiers: ClinVar variation 1912945 (VCV001912945.5), dbSNP rs1354713391, ClinGen allele CA567645423.